The following is an entry in ClinVar:

NM_005732.4(RAD50):c.1835A>G (p.Asn612Ser)

Gene: RAD50 (RAD50 double strand break repair protein; plus strand). Cytogenetic location: 5q31.1.
Variant type: single nucleotide variant.
Coding change: c.1835A>G on transcript NM_005732.4 (MANE Select); coding-DNA position 1835, A replaced by G.
Protein change: p.Asn612Ser; replaces asparagine 612 with serine.
Molecular consequence: missense variant.
Genome position (GRCh38, 1-based): chr5:132,594,910, A>G. VCF-style: chr5-132594910-A-G. GRCh37 (hg19) VCF-style: chr5-131930602-A-G.
Other names: short protein forms N612S.
Identifiers: ClinVar variation 654699 (VCV000654699.12), dbSNP rs1580996415, ClinGen allele CA360947622.

ClinVar aggregate classification (germline): Uncertain significance. Review status: criteria provided, multiple submitters, no conflicts (2 of 4 stars). 2 submissions from 2 submitters: Uncertain significance (2). Last evaluated 2026-07-31.

Conditions:
Hereditary cancer-predisposing syndrome. Also called: Neoplastic Syndromes, Hereditary; Hereditary Cancer Syndrome; Hereditary neoplastic syndrome; Tumor predisposition. Identifiers: Orphanet 140162, MedGen C0027672, MeSH D009386, MONDO:0015356.

Allele frequency attached by ClinVar (database versions not stated): gnomAD exomes below 0.00001; TOPMed below 0.00001.
gnomAD v4.1: 4 of 1,607,064 alleles (0.00025%); highest among the groups gnomAD compares: South Asian, 0.0044%; no homozygotes.

Submissions (2):

Ambry Genetics
Classification: Uncertain significance for Hereditary cancer-predisposing syndrome. Last evaluated: 2026-07-31. Review status: criteria provided, single submitter. Criteria: Ambry Variant Classification Scheme 2023. Collection method: clinical testing. Allele origin: germline.
Comment: The p.N612S variant (also known as c.1835A>G), located in coding exon 12 of the RAD50 gene, results from an A to G substitution at nucleotide position 1835. The asparagine at codon 612 is replaced by serine, an amino acid with highly similar properties. This amino acid position is conserved. In addition, this alteration is predicted to be tolerated by in silico analysis. Based on the available evidence, the clinical significance of this variant remains unclear.

Labcorp Genetics (formerly Invitae), Labcorp
Classification: Uncertain significance for Hereditary cancer-predisposing syndrome. Last evaluated: 2019-12-07. Review status: criteria provided, single submitter. Criteria: Invitae Variant Classification Sherloc (09022015). Collection method: clinical testing. Allele origin: germline.
Comment: This variant has not been reported in the literature in individuals with RAD50-related conditions. This sequence change replaces asparagine with serine at codon 612 of the RAD50 protein (p.Asn612Ser). The asparagine residue is moderately conserved and there is a small physicochemical difference between asparagine and serine. This variant is not present in population databases (ExAC no frequency). Algorithms developed to predict the effect of missense changes on protein structure and function output the following: SIFT: "Tolerated"; PolyPhen-2: "Benign"; Align-GVGD: "Class C0". The serine amino acid residue is found in multiple mammalian species, suggesting that this missense change does not adversely affect protein function. These predictions have not been confirmed by published functional studies and their clinical significance is uncertain. In summary, the available evidence is currently insufficient to determine the role of this variant in disease. Therefore, it has been classified as a Variant of Uncertain Significance.